The following is an entry in ClinVar:

NM_001376.5(DYNC1H1):c.2951A>G (p.Gln984Arg)

Genes: DYNC1H1 (dynein cytoplasmic 1 heavy chain 1; plus strand), LOC130056502 (ATAC-STARR-seq lymphoblastoid active region 9063; plus strand). Cytogenetic location: 14q32.31.
Variant type: single nucleotide variant.
Coding change: c.2951A>G on transcript NM_001376.5 (MANE Select); coding-DNA position 2951, A replaced by G.
Protein change: p.Gln984Arg; replaces glutamine 984 with arginine.
Molecular consequence: missense variant.
Genome position (GRCh38, 1-based): chr14:101,991,609, A>G. VCF-style: chr14-101991609-A-G. GRCh37 (hg19) VCF-style: chr14-102457946-A-G.
Other names: short protein forms Q984R.
Identifiers: ClinVar variation 1054153 (VCV001054153.9), dbSNP rs2141278608, ClinGen allele CA391030473.

ClinVar aggregate classification (germline): Uncertain significance (1 of 4 stars; one submission).

Conditions:
Charcot-Marie-Tooth disease axonal type 2O. Also called: CHARCOT-MARIE-TOOTH NEUROPATHY, AXONAL, TYPE 2O; CHARCOT-MARIE-TOOTH DISEASE, AXONAL, AUTOSOMAL DOMINANT, TYPE 2O; Charcot-Marie-Tooth Neuropathy Type 2O; Charcot-Marie-Tooth disease, axonal, type 20. Identifiers: Orphanet 284232, MedGen C3280220, MONDO:0013644, OMIM 614228.

Submission:

Labcorp Genetics (formerly Invitae), Labcorp
Classification: Uncertain significance for Charcot-Marie-Tooth disease axonal type 2O. Last evaluated: 2020-08-27. Review status: criteria provided, single submitter. Criteria: Invitae Variant Classification Sherloc (09022015). Collection method: clinical testing. Allele origin: germline.
Comment: This sequence change replaces glutamine with arginine at codon 984 of the DYNC1H1 protein (p.Gln984Arg). The glutamine residue is moderately conserved and there is a small physicochemical difference between glutamine and arginine. This variant is not present in population databases (ExAC no frequency). This variant has not been reported in the literature in individuals with DYNC1H1-related conditions. Advanced modeling of protein sequence and biophysical properties (such as structural, functional, and spatial information, amino acid conservation, physicochemical variation, residue mobility, and thermodynamic stability) performed at Invitae indicates that this missense variant is not expected to disrupt DYNC1H1 protein function. In summary, the available evidence is currently insufficient to determine the role of this variant in disease. Therefore, it has been classified as a Variant of Uncertain Significance.